The following is an entry in ClinVar:

NM_001012614.2(CTBP1):c.1069G>A (p.Ala357Thr)

Genes: CTBP1 (C-terminal binding protein 1; minus strand), CTBP1-AS (CTBP1 antisense RNA; plus strand). Cytogenetic location: 4p16.3.
Variant type: single nucleotide variant.
Coding change: c.1069G>A on transcript NM_001012614.2 (MANE Select); coding-DNA position 1069, G replaced by A.
Protein change: p.Ala357Thr; replaces alanine 357 with threonine.
Molecular consequence: missense variant.
Genome position (GRCh38, 1-based): chr4:1,212,950, C>T on the plus strand (G>A on the coding strand, the complement: CTBP1 is on the minus strand). VCF-style: chr4-1212950-C-T. GRCh37 (hg19) VCF-style: chr4-1206738-C-T.
Other names: c.1102G>A, p.Ala368Thr (NM_001328.3, NM_001377186.1); c.1069G>A, p.Ala357Thr (NM_001377187.1, NM_001377188.1, NM_001377189.1 and 4 more transcripts); short protein forms A368T, A357T.
Identifiers: ClinVar variation 1384107 (VCV001384107.6), dbSNP rs762735833, ClinGen allele CA2804194.

ClinVar aggregate classification (germline): Uncertain significance (1 of 4 stars; one submission).

Allele frequency attached by ClinVar (database versions not stated): gnomAD exomes 0.00002 and 0.00003; ExAC 0.00004; gnomAD 0.00004; TOPMed 0.00006.

Submission:

Labcorp Genetics (formerly Invitae), Labcorp
Classification: Uncertain significance. Last evaluated: 2024-02-24. Review status: criteria provided, single submitter. Criteria: Invitae Variant Classification Sherloc (09022015). Collection method: clinical testing. Allele origin: germline.
Comment: This sequence change replaces alanine, which is neutral and non-polar, with threonine, which is neutral and polar, at codon 368 of the CTBP1 protein (p.Ala368Thr). This variant is present in population databases (rs762735833, gnomAD 0.006%). This variant has not been reported in the literature in individuals affected with CTBP1-related conditions. ClinVar contains an entry for this variant (Variation ID: 1384107). An algorithm developed to predict the effect of missense changes on protein structure and function (PolyPhen-2) suggests that this variant is likely to be tolerated. In summary, the available evidence is currently insufficient to determine the role of this variant in disease. Therefore, it has been classified as a Variant of Uncertain Significance.